The following is an entry in ClinVar:

ClinVar aggregate classification (germline): Uncertain significance (1 of 4 stars; one submission).

Submission:

Women's Health and Genetics/Laboratory Corporation of America, LabCorp
Classification: Uncertain significance. Last evaluated: 2026-01-16. Review status: criteria provided, single submitter. Criteria: LabCorp Variant Classification Summary - May 2015. Collection method: clinical testing. Allele origin: germline.
Comment: Variant summary: SACS c.1555G>A (p.Glu519Lys) results in a conservative amino acid change in the encoded protein sequence. Algorithms developed to predict the effect of missense changes on protein structure and function all suggest that this variant is likely to be tolerated. The variant was absent in 251086 control chromosomes. The available data on variant occurrences in the general population are insufficient to allow any conclusion about variant significance. To our knowledge, no occurrence of c.1555G>A in individuals affected with SACS-related conditions and no experimental evidence demonstrating its impact on protein function have been reported. No submitters have cited clinical-significance assessments for this variant to ClinVar. Based on the evidence outlined above, the variant was classified as uncertain significance.

NM_014363.6(SACS):c.1555G>A (p.Glu519Lys)

Gene: SACS (sacsin molecular chaperone; minus strand). Cytogenetic location: 13q12.12.
Variant type: single nucleotide variant.
Coding change: c.1555G>A on transcript NM_014363.6 (MANE Select); coding-DNA position 1555, G replaced by A.
Protein change: p.Glu519Lys; replaces glutamic acid 519 with lysine.
Molecular consequence: missense variant.
Genome position (GRCh38, 1-based): chr13:23,355,057, C>T on the plus strand (G>A on the coding strand, the complement: SACS is on the minus strand). VCF-style: chr13-23355057-C-T. GRCh37 (hg19) VCF-style: chr13-23929196-C-T.
Other names: c.1114G>A, p.Glu372Lys (NM_001278055.2); c.1555G>A, p.Glu519Lys (NM_001437336.1); short protein forms E372K, E519K.
Identifiers: ClinVar variation 4689332 (VCV004689332.1).